The following is an entry in ClinVar:

NM_000256.3(MYBPC3):c.110G>C (p.Gly37Ala)

Gene: MYBPC3 (myosin binding protein C3; minus strand). Cytogenetic location: 11p11.2.
Variant type: single nucleotide variant.
Coding change: c.110G>C on transcript NM_000256.3 (MANE Select); coding-DNA position 110, G replaced by C.
Protein change: p.Gly37Ala; replaces glycine 37 with alanine.
Molecular consequence: missense variant.
Genome position (GRCh38, 1-based): chr11:47,351,421, C>G on the plus strand (G>C on the coding strand, the complement: MYBPC3 is on the minus strand). VCF-style: chr11-47351421-C-G. GRCh37 (hg19) VCF-style: chr11-47372972-C-G.
Other names: short protein forms G37A.
Identifiers: ClinVar variation 3893883 (VCV003893883.1).

ClinVar aggregate classification (germline): Uncertain significance (1 of 4 stars; one submission).

Conditions:
Cardiomyopathy (CMYO). Also called: Cardiomyopathies. Identifiers: Orphanet 167848, MedGen C0878544, MONDO:0004994, HP:0001638. Inheritance: Various modes of inheritance.

Submission:

Color Diagnostics, LLC DBA Color Health
Classification: Uncertain significance for Cardiomyopathy. Last evaluated: 2024-12-23. Review status: criteria provided, single submitter. Criteria: ACMG Guidelines, 2015. Collection method: clinical testing. Allele origin: germline.
Comment: This missense variant replaces glycine with alanine at codon 37 of the MYBPC3 protein. Computational prediction suggests that this variant may not impact protein structure and function. To our knowledge, functional studies have not been reported for this variant. This variant has not been reported in individuals affected with MYBPC3-related disorders in the literature. This variant has not been identified in the general population by the Genome Aggregation Database (gnomAD). The available evidence is insufficient to determine the role of this variant in disease conclusively. Therefore, this variant is classified as a Variant of Uncertain Significance.